The following is an entry in ClinVar:

NM_001004734.4(OR14I1):c.411A>G (p.Gly137=)

Gene: OR14I1 (olfactory receptor family 14 subfamily I member 1; minus strand). Cytogenetic location: 1q44.
Variant type: single nucleotide variant.
Coding change: c.411A>G on transcript NM_001004734.4 (MANE Select); coding-DNA position 411, A replaced by G.
Protein change: p.Gly137=; no amino-acid change (glycine 137 retained).
Molecular consequence: synonymous variant.
Genome position (GRCh38, 1-based): chr1:248,681,894, T>C on the plus strand (A>G on the coding strand, the complement: OR14I1 is on the minus strand). VCF-style: chr1-248681894-T-C. GRCh37 (hg19) VCF-style: chr1-248845195-T-C.
Identifiers: ClinVar variation 2640260 (VCV002640260.24), dbSNP rs150298763, ClinGen allele CA1507094.
Genomic context (GRCh38, chr1:248,681,894, plus strand): 5'-GTGGACGGCTGCGTAGGAAAAGCAGCTTAGCCAGGTGGTGACTGCCATCTGATAGCACCC[T>C]CCTGATGTCATCACGGCTCTGTATTGGAGGGGGTGGCAAATGGCAACATAGCGGTCATAA-3'
Protein context (NP_001004734.1, residues 127-147): PLQYRAVMTS[Gly137=]GCYQMAVTTW

ClinVar aggregate classification (germline): Likely benign (1 of 4 stars; one submission).

Allele frequency attached by ClinVar (database versions not stated): 1000 Genomes Project 30x 0.00109; 1000 Genomes Project 0.00120; ExAC 0.00246; TOPMed 0.00251; gnomAD exomes 0.00283; gnomAD 0.00288; ESP Exome Variant Server 0.00331.
gnomAD v4.1: 2,206 of 780,948 alleles (0.28%); highest among the groups gnomAD compares: Non-Finnish European, 0.42%; 6 homozygotes.

Submission:

CeGaT Center for Human Genetics Tuebingen
Classification: Likely benign. Last evaluated: 2022-07-01. Review status: criteria provided, single submitter. Criteria: CeGaT Center For Human Genetics Tuebingen Variant Classification Criteria Version 2. Collection method: clinical testing. Allele origin: germline. Affected: yes. Observed: 1 variant allele.
Comment: OR14I1: BP4, BP7